The following is an entry in ClinVar:

ClinVar aggregate classification (germline): Benign (1 of 4 stars; one submission).

Conditions:
Hyper-IgE recurrent infection syndrome 1, autosomal dominant. Also called: HYPER-IgE SYNDROME 1, AUTOSOMAL DOMINANT, WITH RECURRENT INFECTIONS; JOB SYNDROME; Job's Syndrome; STAT3 Hyper IgE Syndrome; Hyper-IgE recurrent infection syndrome 1. Identifiers: Orphanet 2314, MedGen C2936739, MONDO:0007818, OMIM 147060.

Allele frequency attached by ClinVar (database versions not stated): gnomAD exomes 0.00090; gnomAD 0.00552 and 0.00592; 1000 Genomes Project 30x 0.00656; TOPMed 0.00662; 1000 Genomes Project 0.00759.
gnomAD v4.1: 870 of 184,728 alleles (0.47%); highest among the groups gnomAD compares: African/African-American, 1.9%; 7 homozygotes.

Submission:

Illumina Laboratory Services, Illumina
Classification: Benign for Hyper-IgE recurrent infection syndrome 1, autosomal dominant. Last evaluated: 2018-01-13. Review status: criteria provided, single submitter. Criteria: ICSL Variant Classification Criteria 13 December 2019. Collection method: clinical testing. Allele origin: germline.
Comment: This variant was observed in the ICSL laboratory as part of a predisposition screen in an ostensibly healthy population. It had not been previously curated by ICSL or reported in the Human Gene Mutation Database (HGMD: prior to June 1st, 2018), and was therefore a candidate for classification through an automated scoring system. Utilizing variant allele frequency, disease prevalence and penetrance estimates, and inheritance mode, an automated score was calculated to assess if this variant is too frequent to cause the disease. Based on the score and internal cut-off values, a variant classified as benign is not then subjected to further curation. The score for this variant resulted in a classification of benign for this disease.

NM_139276.3(STAT3):c.*669C>T

Gene: STAT3 (signal transducer and activator of transcription 3; minus strand). Cytogenetic location: 17q21.2.
Variant type: single nucleotide variant.
Coding change: c.*669C>T on transcript NM_139276.3 (MANE Select); 669 bases downstream of the stop codon, C replaced by T.
Molecular consequence: 3 prime UTR variant.
Genome position (GRCh38, 1-based): chr17:42,315,076, G>A on the plus strand (C>T on the coding strand, the complement: STAT3 is on the minus strand). VCF-style: chr17-42315076-G-A. GRCh37 (hg19) VCF-style: chr17-40467094-G-A.
Other names: c.*669C>T (NM_001369512.1, NM_001369513.1, NM_001369514.1 and 10 more transcripts); c.*763C>T (NM_001369517.1, NM_001369518.1, NM_001369519.1 and 4 more transcripts).
Identifiers: ClinVar variation 323233 (VCV000323233.5), dbSNP rs138998960, ClinGen allele CA10649244.